The following is an entry in ClinVar:

NM_001135629.3(PPP1R21):c.1980G>A (p.Val660=)

Gene: PPP1R21 (protein phosphatase 1 regulatory subunit 21; plus strand). Cytogenetic location: 2p16.3.
Variant type: single nucleotide variant.
Coding change: c.1980G>A on transcript NM_001135629.3 (MANE Select); coding-DNA position 1980, G replaced by A.
Protein change: p.Val660=; no amino-acid change (valine 660 retained).
Molecular consequence: synonymous variant. On other transcripts: non-coding transcript variant (1).
Genome position (GRCh38, 1-based): chr2:48,507,280, G>A. VCF-style: chr2-48507280-G-A. GRCh37 (hg19) VCF-style: chr2-48734419-G-A.
Other names: c.1854G>A, p.Val618= (NM_001193475.2); c.1947G>A, p.Val649= (NM_152994.5).
Identifiers: ClinVar variation 3770860 (VCV003770860.13).

ClinVar aggregate classification (germline): Likely benign (1 of 4 stars; one submission).

gnomAD v4.1: 40 of 1,551,272 alleles (0.0026%); highest among the groups gnomAD compares: Non-Finnish European, 0.0032%; no homozygotes.

Submission:

CeGaT Center for Human Genetics Tuebingen
Classification: Likely benign. Last evaluated: 2025-02-01. Review status: criteria provided, single submitter. Criteria: CeGaT Center For Human Genetics Tuebingen Variant Classification Criteria Version 2. Collection method: clinical testing. Allele origin: germline. Affected: yes. Observed: 1 variant allele.
Comment: PPP1R21: BP4, BP7